The following is an entry in ClinVar:

NM_021939.4(FKBP10):c.731C>T (p.Thr244Ile)

Gene: FKBP10 (FKBP prolyl isomerase 10; plus strand). Cytogenetic location: 17q21.2.
Variant type: single nucleotide variant.
Coding change: c.731C>T on transcript NM_021939.4 (MANE Select); coding-DNA position 731, C replaced by T.
Protein change: p.Thr244Ile; replaces threonine 244 with isoleucine.
Molecular consequence: missense variant.
Genome position (GRCh38, 1-based): chr17:41,819,213, C>T. VCF-style: chr17-41819213-C-T. GRCh37 (hg19) VCF-style: chr17-39975465-C-T.
Other names: short protein forms T244I.
Identifiers: ClinVar variation 2502712 (VCV002502712.1), dbSNP rs2047855260, ClinGen allele CA399516044.
Genomic context (GRCh38, chr17:41,819,213, plus strand): 5'-AGAAGGAGCCTCGGCTTGCTCCCCAATTTTATGGTTCAAGCCCTATCCCTTCCCCAGGGA[C>T]AGTGATCCCCCCACAGGCCTCGCTGGTCTTTCACGTCCTCCTGATTGACGTGCACAACCC-3'
Protein context (NP_068758.3, residues 234-254): FLAYGEKGYG[Thr244Ile]VIPPQASLVF

ClinVar aggregate classification (germline): Uncertain significance (1 of 4 stars; one submission).

Allele frequency attached by ClinVar (database versions not stated): gnomAD 0.00001.

Submission:

GeneDx
Classification: Uncertain significance. Last evaluated: 2022-11-17. Review status: criteria provided, single submitter. Criteria: GeneDx Variant Classification Process June 2021. Collection method: clinical testing. Allele origin: germline. Affected: yes.
Comment: In silico analysis supports that this missense variant has a deleterious effect on protein structure/function; In silico analysis is inconclusive as to whether the variant alters gene splicing. In the absence of RNA/functional studies, the actual effect of this sequence change is unknown.; Not observed at significant frequency in large population cohorts (gnomAD); Has not been previously published as pathogenic or benign to our knowledge